The following is an entry in ClinVar:

ClinVar aggregate classification (germline): Conflicting classifications of pathogenicity. Review status: criteria provided, conflicting classifications (1 of 4 stars). 11 submissions from 11 submitters: Pathogenic (1); Likely pathogenic (4); Uncertain significance (5). 1 of the submissions does not count toward it. Last evaluated 2026-02-05.

Conditions:
DNAH5-related disorder. Also called: DNAH5-related condition.
Primary ciliary dyskinesia. Also called: Ciliary dyskinesia. Identifiers: Orphanet 244, MedGen C0008780, MONDO:0016575, HP:0012265.
Primary ciliary dyskinesia 3. Identifiers: Orphanet 244, MedGen C1837618, MONDO:0012085, OMIM 608644.

Allele frequency attached by ClinVar (database versions not stated): gnomAD exomes 0.00007; gnomAD 0.00009 and 0.00011; TOPMed 0.00011; ExAC 0.00039.

Submissions (11):

Clinical Genetics and Genomics, Karolinska University Hospital
Classification: Likely pathogenic for Primary ciliary dyskinesia 3. Last evaluated: 2026-02-05. Review status: criteria provided, single submitter. Criteria: ACMG Guidelines, 2015. Collection method: clinical testing. Allele origin: germline. Inheritance: Autosomal recessive inheritance. Affected: yes.

Labcorp Genetics (formerly Invitae), Labcorp
Classification: Pathogenic for Primary ciliary dyskinesia. Last evaluated: 2026-02-02. Review status: criteria provided, single submitter. Criteria: Invitae Variant Classification Sherloc (09022015). Collection method: clinical testing. Allele origin: germline.
Comment: This sequence change replaces arginine, which is basic and polar, with proline, which is neutral and non-polar, at codon 2501 of the DNAH5 protein (p.Arg2501Pro). This variant is present in population databases (rs78853309, gnomAD 0.3%). This missense change has been observed in individual(s) with clinical features of primary ciliary dyskinesia (PMID: 16627867, 19357118, 25802884, 30067075, 32357925; internal data). In at least one individual the data is consistent with being in trans (on the opposite chromosome) from a pathogenic variant. It has also been observed to segregate with disease in related individuals. ClinVar contains an entry for this variant (Variation ID: 179699). Invitae Evidence Modeling of protein sequence and biophysical properties (such as structural, functional, and spatial information, amino acid conservation, physicochemical variation, residue mobility, and thermodynamic stability) indicates that this missense variant is not expected to disrupt DNAH5 protein function with a negative predictive value of 95%. For these reasons, this variant has been classified as Pathogenic.

GeneDx
Classification: Uncertain significance. Last evaluated: 2025-08-25. Review status: criteria provided, single submitter. Criteria: GeneDx Variant Classification Process June 2021. Collection method: clinical testing. Allele origin: germline. Affected: yes.
Comment: Observed in multiple patients with primary ciliary diskinesia in published literature; patients harbored other variants in the DNAH5 gene but phase for most cases is not known (PMID: 16627867, 19357118, 25802884, 32357925); In silico analysis supports that this missense variant has a deleterious effect on protein structure/function; This variant is associated with the following publications: (PMID: 19357118, 32357925, 25802884, 30067075, 38206729, 16627867, 40694277)

Natera, Inc.
Classification: Likely pathogenic for Primary ciliary dyskinesia. Last evaluated: 2025-08-22. Review status: criteria provided, single submitter. Criteria: Natera Variant Classification Schema (03/2026). Collection method: clinical testing. Allele origin: germline.
Comment: The c.7502G>C variant in DNAH5 is a missense variant predicted to cause substitution of arginine to proline at amino acid 2501. This variant is rare in the general population with a frequency below the threshold expected for the associated phenotype(s). This variant has been observed in one or more individuals affected with the associated recessive disease, as either homozygous or compound heterozygous with a second variant (PMID: 25802884, 16627867, 32357925). Additionally, this variant has been observed to segregate in affected family members (PMID: 25802884). Computational prediction algorithms indicate this variant is likely to affect gene or protein function. Given the available evidence, this variant is classified as Likely Pathogenic.

PreventionGenetics, part of Exact Sciences
Classification: Uncertain significance for DNAH5-related condition. Last evaluated: 2025-06-13. Review status: criteria provided, single submitter. Criteria: ACMG Guidelines, 2015. Collection method: clinical testing. Allele origin: germline.
Comment: The DNAH5 c.7502G>C variant is predicted to result in the amino acid substitution p.Arg2501Pro. This variant has reported in individuals with primary ciliary dyskinesia (Hornef et al. 2006. PubMed ID: 16627867; Bieder et al. 2020. PubMed ID: 32357925; Failly et al. 2009. PubMed ID: 19357118; Davis et al. 2019. PubMed ID: 30067075). This variant is reported in 0.35% of alleles in individuals of Ashkenazi Jewish descent in gnomAD. Although we suspect that this variant may be pathogenic, at this time, the clinical significance of this variant is uncertain due to the absence of conclusive functional and genetic evidence.

Fulgent Genetics
Classification: Likely pathogenic for Primary ciliary dyskinesia 3. Last evaluated: 2023-12-28. Review status: criteria provided, single submitter. Criteria: ACMG Guidelines, 2015. Collection method: clinical testing. Allele origin: germline.

Ambry Genetics
Classification: Likely pathogenic for Primary ciliary dyskinesia. Last evaluated: 2023-04-05. Review status: criteria provided, single submitter. Criteria: Ambry Variant Classification Scheme 2023. Collection method: clinical testing. Allele origin: germline.
Comment: The p.R2501P variant (also known as c.7502G>C), located in coding exon 45 of the DNAH5 gene, results from a G to C substitution at nucleotide position 7502. The arginine at codon 2501 is replaced by proline, an amino acid with dissimilar properties. This variant has been detected in multiple unrelated individuals with clinical features of primary ciliary dyskenesia who were homozygous or had one or two additional DNAH5 alterations (Hornef N et al. Am J Respir Crit Care Med, 2006 Jul;174:120-6; Failly M et al. J Med Genet, 2009 Apr;46:281-6; Davis SD et al. Am J Respir Crit Care Med, 2019 01;199:190-198; Fedick AM et al. Mol Genet Genomic Med, 2015 Mar;3:137-42; Bieder A et al. BMC Med Genet, 2020 05;21:87; Ambry internal data). This amino acid position is highly conserved in available vertebrate species. In addition, this alteration is predicted to be deleterious by in silico analysis. Based on the majority of available evidence to date, this variant is likely to be pathogenic.

Johns Hopkins Genomics, Johns Hopkins University
Classification: Uncertain significance for Primary ciliary dyskinesia 3. Last evaluated: 2023-03-29. Review status: criteria provided, single submitter. Criteria: ACMG Guidelines, 2015. Collection method: clinical testing. Allele origin: germline.
Comment: This DNAH5 missense variant along with another DNAH5 variant occurring in trans has been identified in two siblings affected with primay ciliary dyskinesia. The variant has also been reported in other unrelated individuals with primary ciliary dyskinesia. The variant (rs78853309) is rare (<0.1%) in a large population dataset (gnomAD v2.1.1: 31/176772 total alleles; 0.018%; no homozygotes) and has been reported in ClinVar6 (Variation ID: 179699). Two bioinformatic tools queried predict that this substitution would be damaging, and the arginine residue at this position is evolutionarily conserved across all of the species assessed. We consider the clinical significance of c.7502G>C; p.Arg2501Pro in DNAH5 to be uncertain at this time.

Department of Pathology and Laboratory Medicine, Sinai Health System
Classification: Uncertain significance for Primary ciliary dyskinesia 3. Last evaluated: 2022-07-07. Review status: criteria provided, single submitter. Criteria: ACMG Guidelines, 2015. Collection method: research. Allele origin: germline.

Laboratory for Molecular Medicine, Mass General Brigham Personalized Medicine
Classification: Uncertain significance. Last evaluated: 2019-05-22. Review status: criteria provided, single submitter. Criteria: LMM Criteria. Collection method: clinical testing. Allele origin: germline. Observed: 1 variant allele.
Comment: proposed classification - variant undergoing re-assessment, contact laboratory

Yale Center for Mendelian Genomics, Yale University
Classification: Likely pathogenic for Primary ciliary dyskinesia. Last evaluated: 2018-08-01. Review status: no assertion criteria provided. Collection method: literature only. Allele origin: germline. Affected: yes. Observed: 2 compound heterozygotes. Study: Yale Center for Mendelian Genomics. Not counted in ClinVar's aggregate classification.

Literature cited by the submitters: PubMed 16627867 (cited by 5 submitters); PubMed 19357118 (cited by 4 submitters); PubMed 25802884 (cited by 5 submitters); PubMed 30067075 (cited by 4 submitters); PubMed 32357925 (cited by 4 submitters).

NM_001369.3(DNAH5):c.7502G>C (p.Arg2501Pro)

Gene: DNAH5 (dynein axonemal heavy chain 5; minus strand). Cytogenetic location: 5p15.2.
Variant type: single nucleotide variant.
Coding change: c.7502G>C on transcript NM_001369.3 (MANE Select); coding-DNA position 7502, G replaced by C.
Protein change: p.Arg2501Pro; replaces arginine 2501 with proline.
Molecular consequence: missense variant.
Genome position (GRCh38, 1-based): chr5:13,810,166, C>G on the plus strand (G>C on the coding strand, the complement: DNAH5 is on the minus strand). VCF-style: chr5-13810166-C-G. GRCh37 (hg19) VCF-style: chr5-13810275-C-G.
Other names: short protein forms R2501P.
Identifiers: ClinVar variation 179699 (VCV000179699.30), dbSNP rs78853309, ClinGen allele CA184953.